The following is an entry in ClinVar:

ClinVar aggregate classification (germline): Pathogenic. Review status: criteria provided, single submitter (1 of 4 stars). 2 submissions from 2 submitters: Pathogenic (1). 1 of the submissions does not count toward it.

Conditions:
Temtamy syndrome (TEMTYS). Also called: MENTAL RETARDATION WITH OR WITHOUT CRANIOFACIAL DYSMORPHISM, OCULAR COLOBOMA, OR ABNORMAL CORPUS CALLOSUM. Identifiers: Orphanet 1777, MedGen C1857512, MONDO:0009033, OMIM 218340.

Allele frequency attached by ClinVar (database versions not stated): gnomAD exomes 0.00001; TOPMed 0.00001.

Submissions (2):

Neuberg Centre For Genomic Medicine, NCGM
Classification: Pathogenic for Temtamy syndrome. Review status: criteria provided, single submitter. Criteria: ACMG Guidelines, 2015. Collection method: clinical testing. Allele origin: germline. Inheritance: Autosomal recessive inheritance. Affected: yes.
Comment: The initiator codon variant p.M1I in C12orf57 (NM_138425.4) has not been reported previously as a pathogenic variant nor as a benign variant, to our knowledge. Another start loss variant M1V has been reported with mental retardation and early-onset seizures, with or without and ocular coloboma or corpus callosum abnormalities, consistent with Temtamy syndrome (Zahrani et al,2013). The p.M1I variant is novel (not in any individuals) in gnomAD Exomes and is novel (not in any individuals) in 1000 Genomes. The p.M1I variant is a loss of function variant in the gene C12orf57 and is predicted to cuase protein truncation. For these reasons, this variant has been classified as Pathogenic.

Genetics and Genomic Medicine Centre, NeuroGen Healthcare, NeuroGen Healthcare
Classification: Pathogenic. Last evaluated: 2022-03-20. Review status: no assertion criteria provided. Collection method: clinical testing. Allele origin: unknown. Affected: yes. Not counted in ClinVar's aggregate classification.

NM_138425.4(C12orf57):c.3G>A (p.Met1Ile)

Gene: C12orf57 (chromosome 12 open reading frame 57; plus strand). Cytogenetic location: 12p13.31.
Variant type: single nucleotide variant.
Coding change: c.3G>A on transcript NM_138425.4 (MANE Select); coding-DNA position 3, G replaced by A.
Protein change: p.Met1Ile; changes the start codon (methionine 1).
Molecular consequence: missense variant, initiator codon variant. On other transcripts: 5 prime UTR variant (1), non-coding transcript variant (1), intron variant (1).
Genome position (GRCh38, 1-based): chr12:6,944,124, G>A. VCF-style: chr12-6944124-G-A. GRCh37 (hg19) VCF-style: chr12-7053287-G-A.
Other names: c.3G>A, p.Met1Ile (NM_001301834.1, NM_001301837.2); c.-199G>A (NM_001301838.2); c.14-352G>A (NM_001301836.2); short protein forms M1I.
Identifiers: ClinVar variation 2627440 (VCV002627440.3), dbSNP rs782784989, ClinGen allele CA232436455.